The following is an entry in ClinVar:

NM_194292.3(SASS6):c.1057-6_1057-2del

Gene: SASS6 (SAS-6 centriolar assembly protein; minus strand). Cytogenetic location: 1p21.2.
Variant type: Deletion.
Coding change: c.1057-6_1057-2del on transcript NM_194292.3 (MANE Select); 6 bases into the intron before coding-DNA position 1057 through the canonical splice acceptor site of the intron before coding-DNA position 1057, 5 bases deleted (TATCA; older notation c.1057-6_1057-2delTATCA).
Molecular consequence: splice acceptor variant.
Genome position (GRCh38, 1-based): chr1:100,107,719-100,107,723, TGATA deleted on the plus strand (TATCA on the coding strand, the reverse complement: SASS6 is on the minus strand); deleting any 5 consecutive bases within chr1:100,107,719-100,107,724 gives the same sequence; the c. name uses the placement nearest the transcript's 3' end. VCF-style (leftmost placement, unchanged base first): chr1-100107718-CTGATA-C. GRCh37 (hg19) VCF-style: chr1-100573274-CTGATA-C.
Other names: c.556-6_556-2del (NM_001304829.2); c.1057-6_1057-2delTATCA (NM_194292.1, NM_194292.3).
Identifiers: ClinVar variation 1802193 (VCV001802193.8), dbSNP rs776645730, ClinGen allele CA968328.

ClinVar aggregate classification (germline): Conflicting classifications of pathogenicity. Review status: criteria provided, conflicting classifications (1 of 4 stars). 4 submissions from 4 submitters: Likely pathogenic (3); Uncertain significance (1). Last evaluated 2025-06-02.

Conditions:
Inborn genetic diseases. Identifiers: MedGen C0950123, MeSH D030342.
Microcephaly 14, primary, autosomal recessive. Identifiers: Orphanet 2512, MedGen C4225338, MONDO:0014623, OMIM 616402.

Submissions (4):

First Genomix Gene Laboratory, Genetic Diagnostics Department
Classification: Likely pathogenic for Microcephaly 14, primary, autosomal recessive. Last evaluated: 2025-06-02. Review status: criteria provided, single submitter. Criteria: ACMG Guidelines, 2015. Collection method: clinical testing. Allele origin: germline. Inheritance: Autosomal recessive inheritance. Affected: no. Observed: 1 variant allele.

Diagnostics Services (NGS), CSIR - Centre For Cellular And Molecular Biology
Classification: Likely pathogenic for Microcephaly 14, primary, autosomal recessive. Last evaluated: 2022-06-21. Review status: criteria provided, single submitter. Criteria: ACMG Guidelines, 2015. Collection method: clinical testing. Allele origin: germline. Affected: yes. Observed: 1 variant allele, 1 homozygote.
Comment: The c.1057-6_1057-2del variant is not present in publicly available population databases like 1000 Genomes, Exome Variant Server (EVS) and Indian Exome Database. The heterozygous state of the variant is present in Genome Aggregation Database (gnomAD), at a low frequency. The variant is not present in our in-house exome database. The variant was not reported to ClinVar, Human Genome Mutation Database (HGMD) and/or OMIM databases in any affected individuals. In-silico pathogenicity prediction programs like MutationTaster2, CADD, Varsome etc. predicted this variant to be likely deleterious. The intronic variant is located within ±2 of splice-site and expected to affect splicing of mRNA.

Ambry Genetics
Classification: Uncertain significance for Inborn genetic diseases. Last evaluated: 2021-01-13. Review status: criteria provided, single submitter. Criteria: Ambry Variant Classification Scheme 2023. Collection method: clinical testing. Allele origin: germline.
Comment: The c.1057-6_1057-2delTATCA alteration is located in intron 9 of the SASS6 gene. This alteration consists of a deletion of 5 nucleotides at nucleotide position c.1057-6_1057-2. Based on insufficient or conflicting evidence, the clinical significance of this alteration remains unclear.

Neuberg Centre For Genomic Medicine, NCGM
Classification: Likely pathogenic for Microcephaly 14, primary, autosomal recessive. Review status: criteria provided, single submitter. Criteria: ACMG Guidelines, 2015. Collection method: clinical testing. Allele origin: germline. Inheritance: Autosomal recessive inheritance. Affected: yes.
Comment: The splice acceptor c.1057-6_1057-2del- variant has not been reported previously as a pathogenic variant nor as a benign variant, to our knowledge. This variant has allele frequency of 0.024% in the gnomad and novel (not in any individuals) in 1000 genome database. This variant is predicted to cause loss of normal protein function through protein truncation. Loss of function variants have been previously reported to be disease causing. For these reasons, this variant has been classified as Likely Pathogenic.